The following is an entry in ClinVar:

ClinVar aggregate classification (germline): Likely benign (1 of 4 stars; one submission).

gnomAD v4.1: 936 of 1,612,116 alleles (0.058%); highest among the groups gnomAD compares: Non-Finnish European, 0.071%; no homozygotes.

Submission:

CeGaT Center for Human Genetics Tuebingen
Classification: Likely benign. Last evaluated: 2025-03-01. Review status: criteria provided, single submitter. Criteria: CeGaT Center For Human Genetics Tuebingen Variant Classification Criteria Version 2. Collection method: clinical testing. Allele origin: germline. Affected: yes. Observed: 1 variant allele.
Comment: DDX6: PP2, BS2

NM_004397.6(DDX6):c.1427A>G (p.Glu476Gly)

Gene: DDX6 (DEAD-box helicase 6; minus strand). Cytogenetic location: 11q23.3.
Variant type: single nucleotide variant.
Coding change: c.1427A>G on transcript NM_004397.6 (MANE Select); coding-DNA position 1427, A replaced by G.
Protein change: p.Glu476Gly; replaces glutamic acid 476 with glycine.
Molecular consequence: missense variant.
Genome position (GRCh38, 1-based): chr11:118,754,737, T>C on the plus strand (A>G on the coding strand, the complement: DDX6 is on the minus strand). VCF-style: chr11-118754737-T-C. GRCh37 (hg19) VCF-style: chr11-118625446-T-C.
Other names: c.1427A>G, p.Glu476Gly (NM_001257191.3, NM_001425145.1, NM_001425146.1); c.1424A>G, p.Glu475Gly (NM_001425147.1, NM_001425148.1); c.1298A>G, p.Glu433Gly (NM_001425149.1, NM_001425150.1); c.1280A>G, p.Glu427Gly (NM_001425151.1, NM_001425152.1); c.1151A>G, p.Glu384Gly (NM_001425153.1); c.1103A>G, p.Glu368Gly (NM_001425154.1); short protein forms E368G, E384G, E427G, E433G, E475G, E476G.
Identifiers: ClinVar variation 3777806 (VCV003777806.7).